The following is an entry in ClinVar:

NM_024422.6(DSC2):c.523G>A (p.Gly175Ser)

Gene: DSC2 (desmocollin 2; minus strand). Cytogenetic location: 18q12.1.
Variant type: single nucleotide variant.
Coding change: c.523G>A on transcript NM_024422.6 (MANE Select); coding-DNA position 523, G replaced by A.
Protein change: p.Gly175Ser; replaces glycine 175 with serine.
Molecular consequence: missense variant.
Genome position (GRCh38, 1-based): chr18:31,089,546, C>T on the plus strand (G>A on the coding strand, the complement: DSC2 is on the minus strand). VCF-style: chr18-31089546-C-T. GRCh37 (hg19) VCF-style: chr18-28669509-C-T.
Other names: c.94G>A, p.Gly32Ser (NM_001406506.1, NM_001406507.1); c.523G>A, p.Gly175Ser (NM_004949.5); short protein forms G175S, G32S.
Identifiers: ClinVar variation 3070861 (VCV003070861.1), dbSNP rs2510953861, ClinGen allele CA402113682.

ClinVar aggregate classification (germline): Uncertain significance (1 of 4 stars; one submission).

Conditions:
Familial isolated arrhythmogenic right ventricular dysplasia. Identifiers: Orphanet 217656, MedGen C4274968, MONDO:0016342.

Allele frequency attached by ClinVar (database versions not stated): gnomAD exomes below 0.00001.
gnomAD v4.1: 1 of 1,613,950 alleles (0.000062%); highest among the groups gnomAD compares: East Asian, 0.0022%; no homozygotes.

Submission:

All of Us Research Program, National Institutes of Health
Classification: Uncertain significance for Familial isolated arrhythmogenic right ventricular dysplasia. Last evaluated: 2023-05-04. Review status: criteria provided, single submitter. Criteria: ACMG Guidelines, 2015. Collection method: clinical testing. Allele origin: germline. Inheritance: Autosomal dominant inheritance. Observed: 1 variant allele, 1 heterozygote.
Comment: This missense variant replaces glycine with serine at codon 175 of the DSC2 protein. Computational prediction suggests that this variant may not impact protein structure and function (internally defined REVEL score threshold <= 0.5, PMID: 27666373). To our knowledge, functional studies have not been reported for this variant. This variant has not been reported in individuals affected with DSC2-related disorders in the literature. This variant has not been identified in the general population by the Genome Aggregation Database (gnomAD). The available evidence is insufficient to determine the role of this variant in disease conclusively. Therefore, this variant is classified as a Variant of Uncertain Significance.

This study involves interpretation of variants in research participants for the purpose of population health screening. Participant phenotype was not available at the time of variant classification. Additional details can be found in publication PMID: 35346344, PMCID: PMC8962531